The following is an entry in ClinVar:

NM_000368.5(TSC1):c.625A>T (p.Met209Leu)

Gene: TSC1 (TSC complex subunit 1; minus strand). Cytogenetic location: 9q34.13.
Variant type: single nucleotide variant.
Coding change: c.625A>T on transcript NM_000368.5 (MANE Select); coding-DNA position 625, A replaced by T.
Protein change: p.Met209Leu; replaces methionine 209 with leucine.
Molecular consequence: missense variant.
Genome position (GRCh38, 1-based): chr9:132,921,857, T>A on the plus strand (A>T on the coding strand, the complement: TSC1 is on the minus strand). VCF-style: chr9-132921857-T-A. GRCh37 (hg19) VCF-style: chr9-135797244-T-A.
Other names: c.625A>T, p.Met209Leu (NM_001162426.2); c.472A>T, p.Met158Leu (NM_001162427.2); c.262A>T, p.Met88Leu (NM_001362177.2); short protein forms M158L, M209L, M88L.
Identifiers: ClinVar variation 1404503 (VCV001404503.8), dbSNP rs754980229, ClinGen allele CA375372401.

ClinVar aggregate classification (germline): Uncertain significance (1 of 4 stars; one submission).

Conditions:
Tuberous sclerosis 1 (TSC1). Identifiers: Orphanet 805, MedGen C1854465, MONDO:0008612, OMIM 191100.

Submission:

Labcorp Genetics (formerly Invitae), Labcorp
Classification: Uncertain significance for Tuberous sclerosis 1. Last evaluated: 2021-07-06. Review status: criteria provided, single submitter. Criteria: Invitae Variant Classification Sherloc (09022015). Collection method: clinical testing. Allele origin: germline.
Comment: In summary, the available evidence is currently insufficient to determine the role of this variant in disease. Therefore, it has been classified as a Variant of Uncertain Significance. Algorithms developed to predict the effect of missense changes on protein structure and function are either unavailable or do not agree on the potential impact of this missense change (SIFT: "Tolerated"; PolyPhen-2: "Probably Damaging"; Align-GVGD: "Class C0"). This variant has not been reported in the literature in individuals affected with TSC1-related conditions. This variant is not present in population databases (ExAC no frequency). This sequence change replaces methionine with leucine at codon 209 of the TSC1 protein (p.Met209Leu). The methionine residue is highly conserved and there is a small physicochemical difference between methionine and leucine.